The following is an entry in ClinVar:

NM_016004.5(IFT52):c.380A>C (p.Lys127Thr)

Gene: IFT52 (intraflagellar transport 52; plus strand). Cytogenetic location: 20q13.12.
Variant type: single nucleotide variant.
Coding change: c.380A>C on transcript NM_016004.5 (MANE Select); coding-DNA position 380, A replaced by C.
Protein change: p.Lys127Thr; replaces lysine 127 with threonine.
Molecular consequence: missense variant. On other transcripts: 5 prime UTR variant (4).
Genome position (GRCh38, 1-based): chr20:43,604,225, A>C. VCF-style: chr20-43604225-A-C. GRCh37 (hg19) VCF-style: chr20-42232865-A-C.
Other names: c.380A>C, p.Lys127Thr (NM_001303458.3, NM_001303459.3); c.-292A>C (NM_001323578.2, NM_001323580.2); c.-385A>C (NM_001323579.2, NM_001323581.2); short protein forms K127T.
Identifiers: ClinVar variation 4077217 (VCV004077217.1).
Genomic context (GRCh38, chr20:43,604,225, plus strand): 5'-TCTCTTTTTCCCTCATAGATGCTGTGGTTAGAAATGTATATCACAAATATTTCCATCCTA[A>C]AGAAGCTCTAGTTTCCAGTGGAGTCTTGAACAGGTAAGCATGTTGAAAGCAGAAATATCT-3'
Protein context (NP_057088.2, residues 117-137): RNVYHKYFHP[Lys127Thr]EALVSSGVLN

ClinVar aggregate classification (germline): Uncertain significance (1 of 4 stars; one submission).

Submission:

GeneDx
Classification: Uncertain significance. Last evaluated: 2025-02-26. Review status: criteria provided, single submitter. Criteria: GeneDx Variant Classification Process June 2021. Collection method: clinical testing. Allele origin: germline. Affected: yes.
Comment: Not observed at significant frequency in large population cohorts (gnomAD); In silico analysis supports that this missense variant has a deleterious effect on protein structure/function; Has not been previously published as pathogenic or benign to our knowledge